The following is an entry in ClinVar:

NM_006035.4(CDC42BPB):c.1884+67T>C

Gene: CDC42BPB (CDC42 binding protein kinase beta; minus strand). Cytogenetic location: 14q32.32.
Variant type: single nucleotide variant.
Coding change: c.1884+67T>C on transcript NM_006035.4 (MANE Select); 67 bases into the intron after coding-DNA position 1884, T replaced by C.
Molecular consequence: intron variant.
Genome position (GRCh38, 1-based): chr14:102,971,852, A>G on the plus strand (T>C on the coding strand, the complement: CDC42BPB is on the minus strand). VCF-style: chr14-102971852-A-G. GRCh37 (hg19) VCF-style: chr14-103438189-A-G.
Other names: c.1884+67T>C (NM_001411054.1).
Identifiers: ClinVar variation 4855154 (VCV004855154.1).

ClinVar aggregate classification (germline): Uncertain significance (1 of 4 stars; one submission).

Conditions:
Chilton-Okur-Chung neurodevelopmental syndrome (CHOCNS). Identifiers: MedGen C5677022, MONDO:0859239, OMIM 619841.

Submission:

3billion
Classification: Uncertain significance for Chilton-Okur-Chung neurodevelopmental syndrome. Last evaluated: 2025-12-12. Review status: criteria provided, single submitter. Criteria: ACMG Guidelines, 2015. Collection method: clinical testing. Allele origin: germline. Affected: yes.
Comment: The variant is not observed in the gnomAD v4.1.0 dataset. Predicted Consequence/Location: Intron variant In silico tools predict the variant to alter splicing and produce an abnormal transcript [SpliceAI: 0.37 (>=0.2, moderate evidence for spliceogenicity)]. Therefore, this variant is classified as VUS according to the recommendation of ACMG/AMP guideline.